The following is an entry in ClinVar:

ClinVar aggregate classification (germline): Uncertain significance (1 of 4 stars; one submission).

gnomAD v4.1: 1 of 1,605,832 alleles (0.000062%); highest among the groups gnomAD compares: East Asian, 0.0022%; no homozygotes.

Submission:

Dasa
Classification: Uncertain significance. Last evaluated: 2025-04-22. Review status: criteria provided, single submitter. Criteria: DASA Assertion Criteria. Collection method: clinical testing. Allele origin: germline.
Comment: NM_001258392.3(CLPB):c.1786-10C>T is a splice-region variant. This variant is rare in population databases. Computational prediction algorithms are consistent with a benign effect. The currently available literature and clinical evidence are not sufficient to establish a definitive association between this variant and the reported condition. Therefore, this variant is classified as a variant of uncertain significance.

NM_001258392.3(CLPB):c.1786-10C>T

Gene: CLPB (ClpB family mitochondrial disaggregase; minus strand). Cytogenetic location: 11q13.4.
Variant type: single nucleotide variant.
Coding change: c.1786-10C>T on transcript NM_001258392.3 (MANE Select); 10 bases into the intron before coding-DNA position 1786, C replaced by T.
Molecular consequence: intron variant.
Genome position (GRCh38, 1-based): chr11:72,293,625, G>A on the plus strand (C>T on the coding strand, the complement: CLPB is on the minus strand). VCF-style: chr11-72293625-G-A. GRCh37 (hg19) VCF-style: chr11-72004669-G-A.
Other names: c.1699-10C>T (NM_001258393.3); c.1876-10C>T (NM_030813.6); c.1741-10C>T (NM_001258394.3).
Identifiers: ClinVar variation 4882663 (VCV004882663.2).